The following is an entry in ClinVar:

ClinVar aggregate classification (germline): Conflicting classifications of pathogenicity. Review status: criteria provided, conflicting classifications (1 of 4 stars). 4 submissions from 4 submitters: Pathogenic (1); Likely pathogenic (2); Uncertain significance (1). Last evaluated 2025-12-01.

Conditions:
Primary dilated cardiomyopathy (DCM). Also called: Dilated Cardiomyopathy. Identifiers: Orphanet 217604, MedGen C0007193, MeSH D002311, MONDO:0005021, HP:0001644. Inheritance: Various modes of inheritance.
TTN-related myopathy. Identifiers: MedGen CN294812, MONDO:0100175.
Dilated cardiomyopathy 1G (CMD1G). Identifiers: Orphanet 154, MedGen C1858763, MONDO:0011400, OMIM 604145.
Autosomal recessive limb-girdle muscular dystrophy type 2J (LGMDR10). Also called: Limb-girdle muscular dystrophy, type 2J; MUSCULAR DYSTROPHY, LIMB-GIRDLE, AUTOSOMAL RECESSIVE 10. Identifiers: Orphanet 140922, MedGen C1837342, MONDO:0012127, OMIM 608807.

Allele frequency attached by ClinVar (database versions not stated): gnomAD exomes below 0.00001.

Submissions (4):

Labcorp Genetics (formerly Invitae), Labcorp
Classification: Pathogenic for Dilated cardiomyopathy 1G; Autosomal recessive limb-girdle muscular dystrophy type 2J. Last evaluated: 2025-12-01. Review status: criteria provided, single submitter. Criteria: Invitae Variant Classification Sherloc (09022015). Collection method: clinical testing. Allele origin: germline.
Comment: This sequence change creates a premature translational stop signal (p.Glu4587Glyfs*5) in the TTN gene. While this is not anticipated to result in nonsense mediated decay, it is expected to create a truncated TTN protein. This variant is present in population databases (no rsID available, gnomAD no frequency). This premature translational stop signal has been observed in individuals with autosomal dominant dilated cardiomyopathy (internal data). ClinVar contains an entry for this variant (Variation ID: 691701). This variant is located in the I band of TTN (PMID: 25589632). Truncating variants in this region have been reported in individuals affected with autosomal recessive centronuclear myopathy (PMID: 23975875, internal data). Truncating variants in this region have also been identified in individuals affected with autosomal dominant dilated cardiomyopathy and/or cardio-related conditions (PMID: 27869827, 32964742, internal data). For these reasons, this variant has been classified as Pathogenic.

GeneDx
Classification: Likely pathogenic. Last evaluated: 2025-09-22. Review status: criteria provided, single submitter. Criteria: GeneDx Variant Classification Process June 2021. Collection method: clinical testing. Allele origin: germline.
Comment: Has not been previously published as pathogenic or benign to our knowledge; Not observed at significant frequency in large population cohorts (gnomAD); Located in a specific region of the I-band within TTN for which truncating variants are significantly associated with autosomal dominant cardiomyopathy and also with autosomal recessive skeletal myopathies (PMID: 27625338, 27869827, 32778822); This variant is associated with the following publications: (PMID: 27625338, 27869827, 32778822)

Clinical Genomics Laboratory, Stanford Medicine
Classification: Uncertain significance for Dilated cardiomyopathy 1G; TTN-related myopathy. Last evaluated: 2023-09-08. Review status: criteria provided, single submitter. Criteria: ACMG Guidelines, 2015. Collection method: clinical testing. Allele origin: germline. Affected: yes. Observed: 1 variant allele, 1 heterozygote.
Comment: The p.Glu4587Glyfs*5 variant in the TTN gene has not been previously reported in association with disease. This variant has been identified in 1/248390 chromosomes overall by the Genome Aggregation Database. This variant is present in ClinVar (Accession: VCV000691701.5). This variant results in a 1 bp deletion, which causes a shift in the protein reading frame, leading to a premature termination codon 5 amino acids downstream. This variant is located in the I-band. Loss-of-function variants in the I-band currently do not have an established association with dilated cardiomyopathy. These data were assessed using the ACMG/AMP variant interpretation guidelines. In summary, the significance of the p.Glu4587Glyfs*5 variant is uncertain. Additional information is needed to resolve the significance of this variant. [ACMG evidence codes used: PVS1_Moderate; PM2]

Center for Advanced Laboratory Medicine, UC San Diego Health, University of California San Diego
Classification: Likely pathogenic for Dilated cardiomyopathy. Last evaluated: 2017-02-28. Review status: criteria provided, single submitter. Criteria: ACMG Guidelines, 2015. Collection method: clinical testing. Allele origin: germline. Affected: yes. Observed: 1 variant allele.

Literature cited by the submitters: PubMed 25589632 (cited by Labcorp Genetics (formerly Invitae), Labcorp); PubMed 23975875 (cited by Labcorp Genetics (formerly Invitae), Labcorp); PubMed 27869827 (cited by Labcorp Genetics (formerly Invitae), Labcorp); PubMed 32964742 (cited by Labcorp Genetics (formerly Invitae), Labcorp).

NM_001267550.2(TTN):c.13760del (p.Glu4587fs)

Gene: TTN (titin; minus strand). Cytogenetic location: 2q31.2.
Variant type: Deletion.
Coding change: c.13760del on transcript NM_001267550.2 (MANE Select); coding-DNA position 13760, one base deleted (A; older notation c.13760delA).
Protein change: p.Glu4587fs; shifts the reading frame from glutamic acid 4587.
Molecular consequence: frameshift variant. On other transcripts: intron variant (1).
Genome position (GRCh38, 1-based): chr2:178,739,473, T deleted on the plus strand (A on the coding strand, the reverse complement: TTN is on the minus strand). VCF-style (leftmost placement, unchanged base first): chr2-178739472-CT-C. GRCh37 (hg19) VCF-style: chr2-179604199-CT-C.
Other names: c.13760del (NM_001267550.1); c.12809del, p.Glu4270fs (NM_001256850.1); c.12671del, p.Glu4224fs (NM_003319.4); c.13046del, p.Glu4349fs (NM_133432.3); c.13247del, p.Glu4416fs (NM_133437.4); c.10361-1113del (NM_133378.4); short protein forms E4224fs, E4416fs, E4587fs, E4270fs, E4349fs.
Identifiers: ClinVar variation 691701 (VCV000691701.7), dbSNP rs1266489077, ClinGen allele CA538437881.